The following is an entry in ClinVar:

NM_182961.4(SYNE1):c.20395A>G (p.Arg6799Gly)

Gene: SYNE1 (spectrin repeat containing nuclear envelope protein 1; minus strand). Cytogenetic location: 6q25.2.
Variant type: single nucleotide variant.
Coding change: c.20395A>G on transcript NM_182961.4 (MANE Select); coding-DNA position 20395, A replaced by G.
Protein change: p.Arg6799Gly; replaces arginine 6799 with glycine.
Molecular consequence: missense variant.
Genome position (GRCh38, 1-based): chr6:152,236,108, T>C on the plus strand (A>G on the coding strand, the complement: SYNE1 is on the minus strand). VCF-style: chr6-152236108-T-C. GRCh37 (hg19) VCF-style: chr6-152557243-T-C.
Other names: c.20182A>G, p.Arg6728Gly (NM_033071.5); short protein forms R6728G, R6799G.
Identifiers: ClinVar variation 1469234 (VCV001469234.8), dbSNP rs2153534806, ClinGen allele CA366121466.

ClinVar aggregate classification (germline): Uncertain significance (1 of 4 stars; one submission).

Conditions:
Autosomal recessive ataxia, Beauce type. Also called: SYNE1-Related Autosomal Recessive Cerebellar Ataxia; Spinocerebellar ataxia, autosomal recessive 8; ATAXIA, RECESSIVE, OF BEAUCE; SYNE1 Deficiency. Identifiers: Orphanet 88644, MedGen C1853116, MONDO:0012549, OMIM 610743.
Emery-Dreifuss muscular dystrophy 4, autosomal dominant (EDMD4). Also called: EMERY-DREIFUSS MUSCULAR DYSTROPHY 4 WITH VARIABLE FEATURES. Identifiers: Orphanet 261, MedGen C2751807, MONDO:0013071, OMIM 612998.

Submission:

Labcorp Genetics (formerly Invitae), Labcorp
Classification: Uncertain significance for Emery-Dreifuss muscular dystrophy 4, autosomal dominant; Autosomal recessive ataxia, Beauce type. Last evaluated: 2021-01-16. Review status: criteria provided, single submitter. Criteria: Invitae Variant Classification Sherloc (09022015). Collection method: clinical testing. Allele origin: germline.
Comment: This sequence change replaces arginine with glycine at codon 6728 of the SYNE1 protein (p.Arg6728Gly). The arginine residue is highly conserved and there is a moderate physicochemical difference between arginine and glycine. In summary, the available evidence is currently insufficient to determine the role of this variant in disease. Therefore, it has been classified as a Variant of Uncertain Significance. Algorithms developed to predict the effect of sequence changes on RNA splicing suggest that this variant may disrupt the consensus splice site, but this prediction has not been confirmed by published transcriptional studies. Algorithms developed to predict the effect of missense changes on protein structure and function (SIFT, PolyPhen-2, Align-GVGD) all suggest that this variant is likely to be disruptive, but these predictions have not been confirmed by published functional studies and their clinical significance is uncertain. This variant has not been reported in the literature in individuals with SYNE1-related conditions. This variant is not present in population databases (ExAC no frequency).